The following is an entry in ClinVar:

NM_000478.6(ALPL):c.1015G>C (p.Gly339Arg)

Gene: ALPL (alkaline phosphatase, biomineralization associated; plus strand). Cytogenetic location: 1p36.12.
Variant type: single nucleotide variant.
Coding change: c.1015G>C on transcript NM_000478.6 (MANE Select); coding-DNA position 1015, G replaced by C.
Protein change: p.Gly339Arg; replaces glycine 339 with arginine.
Molecular consequence: missense variant.
Genome position (GRCh38, 1-based): chr1:21,575,750, G>C. VCF-style: chr1-21575750-G-C. GRCh37 (hg19) VCF-style: chr1-21902243-G-C.
Other names: c.850G>C, p.Gly284Arg (NM_001127501.4); c.784G>C, p.Gly262Arg (NM_001177520.3); c.1015G>C, p.Gly339Arg (NM_001369803.2, NM_001369804.2, NM_001369805.2); short protein forms G262R, G284R, G339R.
Identifiers: ClinVar variation 3629478 (VCV003629478.2).

ClinVar aggregate classification (germline): Pathogenic/Likely pathogenic. Review status: criteria provided, multiple submitters, no conflicts (2 of 4 stars). 2 submissions from 2 submitters: Pathogenic (1); Likely pathogenic (1). Last evaluated 2025-08-29.

Conditions:
Hypophosphatasia. Also called: Phosphoethanol-aminuria. Identifiers: Orphanet 436, MedGen C0020630, MeSH D007014, MONDO:0018570.

Submissions (2):

Genomenon, Inc
Classification: Pathogenic for Hypophosphatasia. Last evaluated: 2025-08-29. Review status: criteria provided, single submitter. Criteria: Genomenon Sequence Variant Interpretation Standards. Collection method: curation. Allele origin: germline. Affected: yes.
Comment: ALPL Gly339Arg (c.1015G>C) is a missense variant that changes the amino acid at residue 339 from Glycine to Arginine. This variant has been observed in at least one proband affected with hypophosphatasia (PMID:20739387). The variant was found to segregate with disease in at least one affected family (PMID:20739387). Another cDNA variant that causes the same protein consequence has been determined to be pathogenic. This variant is absent or not present at a significant frequency in gnomAD. In silico models agree that this variant is possibly or probably damaging. In conclusion, we classify ALPL p.Gly339Arg (c.1015G>C) as a pathogenic variant.

Center for Genomic Medicine, Rigshospitalet, Copenhagen University Hospital
Classification: Likely pathogenic. Last evaluated: 2025-01-25. Review status: criteria provided, single submitter. Criteria: ACMG Guidelines, 2015. Collection method: clinical testing. Allele origin: germline.
Comment: PS1, PM2_supporting, PP3, PP4, (PP1)

Literature cited by the submitters: PubMed 20739387 (cited by Genomenon, Inc and Center for Genomic Medicine, Rigshospitalet, Copenhagen University Hospital); PubMed 32772198 (cited by Center for Genomic Medicine, Rigshospitalet, Copenhagen University Hospital); PubMed 19500388 (cited by Center for Genomic Medicine, Rigshospitalet, Copenhagen University Hospital); PubMed 32160374 (cited by Center for Genomic Medicine, Rigshospitalet, Copenhagen University Hospital).